The following is an entry in ClinVar:

ClinVar aggregate classification (germline): Pathogenic. Review status: criteria provided, multiple submitters, no conflicts (2 of 4 stars). 2 submissions from 2 submitters: Pathogenic (2). Last evaluated 2024-03-04.

Conditions:
Aniridia 1 (AN1). Identifiers: Orphanet 250923, MedGen C0344542, MONDO:0024507, OMIM 106210.
Irido-corneo-trabecular dysgenesis (ASGD5). Also called: ANTERIOR SEGMENT DYSGENESIS 5. Identifiers: Orphanet 708, MedGen C0344559, MONDO:0011414, OMIM 604229, HP:0000659.
PAX6-related disorder. Also called: PAX6-related disorders; PAX6-related condition.

Submissions (2):

Labcorp Genetics (formerly Invitae), Labcorp
Classification: Pathogenic for Aniridia 1; Irido-corneo-trabecular dysgenesis. Last evaluated: 2024-03-04. Review status: criteria provided, single submitter. Criteria: Invitae Variant Classification Sherloc (09022015). Collection method: clinical testing. Allele origin: germline.
Comment: This sequence change creates a premature translational stop signal (p.Glu93*) in the PAX6 gene. It is expected to result in an absent or disrupted protein product. Loss-of-function variants in PAX6 are known to be pathogenic (PMID: 12634864). This variant is not present in population databases (gnomAD no frequency). This premature translational stop signal has been observed in individual(s) with aniridia (PMID: 16712695). ClinVar contains an entry for this variant (Variation ID: 2137040). For these reasons, this variant has been classified as Pathogenic.

Blueprint Genetics
Classification: Pathogenic for PAX6-related disorders. Last evaluated: 2022-09-22. Review status: criteria provided, single submitter. Criteria: ACMG Guidelines, 2015. Collection method: clinical testing. Allele origin: germline. Affected: yes. Observed: 1 variant allele.

Literature cited by the submitters: PubMed 12634864 (cited by Labcorp Genetics (formerly Invitae), Labcorp); PubMed 16712695 (cited by Labcorp Genetics (formerly Invitae), Labcorp).

NM_001368894.2(PAX6):c.319G>T (p.Glu107Ter)

Gene: PAX6 (paired box 6; minus strand). Cytogenetic location: 11p13.
Variant type: single nucleotide variant.
Coding change: c.319G>T on transcript NM_001368894.2 (MANE Select); coding-DNA position 319, G replaced by T.
Protein change: p.Glu107Ter; replaces glutamic acid 107 with a stop codon.
Molecular consequence: nonsense. On other transcripts: 5 prime UTR variant (14), non-coding transcript variant (2), intron variant (8).
Genome position (GRCh38, 1-based): chr11:31,801,641, C>A on the plus strand (G>T on the coding strand, the complement: PAX6 is on the minus strand). VCF-style: chr11-31801641-C-A. GRCh37 (hg19) VCF-style: chr11-31823189-C-A.
Other names: c.277G>T, p.Glu93Ter (NM_000280.6, NM_001127612.3, NM_001258464.2 and 10 more transcripts); c.319G>T, p.Glu107Ter (NM_001258462.3, NM_001258463.2, NM_001310158.2 and 6 more transcripts); c.-463G>T (NM_001310160.2, NM_001368902.2, NM_001368905.2); c.-132G>T (NM_001310161.3, NM_001368899.2, NM_001368900.2 and 8 more transcripts); c.520G>T, p.Glu174Ter (NM_001368910.2); c.322G>T, p.Glu108Ter (NM_001368911.2); c.394G>T, p.Glu132Ter (NM_001368918.2, NM_001368919.2); c.352G>T, p.Glu118Ter (NM_001368920.2); and 2 more; short protein forms E132*, E118*, E107*, E108*, E174*, E93*.
Identifiers: ClinVar variation 2137040 (VCV002137040.5), dbSNP rs2496133151, ClinGen allele CA379958609.